The following is an entry in ClinVar:

ClinVar aggregate classification (germline): Uncertain significance. Review status: criteria provided, multiple submitters, no conflicts (2 of 4 stars). 2 submissions from 2 submitters: Uncertain significance (2). Last evaluated 2025-10-29.

Allele frequency attached by ClinVar (database versions not stated): gnomAD exomes below 0.00001; TOPMed below 0.00001; ExAC 0.00001.
gnomAD v4.1: 2 of 1,610,620 alleles (0.00012%); highest among the groups gnomAD compares: Admixed American, 0.0033%; no homozygotes.

Submissions (2):

Ambry Genetics
Classification: Uncertain significance. Last evaluated: 2025-10-29. Review status: criteria provided, single submitter. Criteria: Ambry Variant Classification Scheme 2023. Collection method: clinical testing. Allele origin: germline.

Labcorp Genetics (formerly Invitae), Labcorp
Classification: Uncertain significance. Last evaluated: 2023-12-22. Review status: criteria provided, single submitter. Criteria: Invitae Variant Classification Sherloc (09022015). Collection method: clinical testing. Allele origin: germline.
Comment: This sequence change replaces methionine, which is neutral and non-polar, with threonine, which is neutral and polar, at codon 367 of the IFT57 protein (p.Met367Thr). This variant is present in population databases (rs767226150, gnomAD 0.003%). This variant has not been reported in the literature in individuals affected with IFT57-related conditions. ClinVar contains an entry for this variant (Variation ID: 1471939). An algorithm developed to predict the effect of missense changes on protein structure and function (PolyPhen-2) suggests that this variant is likely to be disruptive. In summary, the available evidence is currently insufficient to determine the role of this variant in disease. Therefore, it has been classified as a Variant of Uncertain Significance.

NM_018010.4(IFT57):c.1100T>C (p.Met367Thr)

Gene: IFT57 (intraflagellar transport 57; minus strand). Cytogenetic location: 3q13.12.
Variant type: single nucleotide variant.
Coding change: c.1100T>C on transcript NM_018010.4 (MANE Select); coding-DNA position 1100, T replaced by C.
Protein change: p.Met367Thr; replaces methionine 367 with threonine.
Molecular consequence: missense variant.
Genome position (GRCh38, 1-based): chr3:108,163,674, A>G on the plus strand (T>C on the coding strand, the complement: IFT57 is on the minus strand). VCF-style: chr3-108163674-A-G. GRCh37 (hg19) VCF-style: chr3-107882521-A-G.
Other names: c.1100T>C (NM_018010.3); short protein forms M367T.
Identifiers: ClinVar variation 1471939 (VCV001471939.7), dbSNP rs767226150, ClinGen allele CA2526469.